The following is an entry in ClinVar:

NM_001282534.2(KCNK9):c.1056C>G (p.Ser352Arg)

Gene: KCNK9 (potassium two pore domain channel subfamily K member 9; minus strand). Cytogenetic location: 8q24.3.
Variant type: single nucleotide variant.
Coding change: c.1056C>G on transcript NM_001282534.2 (MANE Select); coding-DNA position 1056, C replaced by G.
Protein change: p.Ser352Arg; replaces serine 352 with arginine.
Molecular consequence: missense variant. On other transcripts: non-coding transcript variant (1).
Genome position (GRCh38, 1-based): chr8:139,618,327, G>C on the plus strand (C>G on the coding strand, the complement: KCNK9 is on the minus strand). VCF-style: chr8-139618327-G-C. GRCh37 (hg19) VCF-style: chr8-140630570-G-C.
Other names: c.1056C>G, p.Ser352Arg (NM_016601.2); short protein forms S352R.
Identifiers: ClinVar variation 3027317 (VCV003027317.22), dbSNP rs1814662702, ClinGen allele CA372733266.

ClinVar aggregate classification (germline): Uncertain significance (1 of 4 stars; one submission).

Submission:

CeGaT Center for Human Genetics Tuebingen
Classification: Uncertain significance. Last evaluated: 2024-02-01. Review status: criteria provided, single submitter. Criteria: CeGaT Center For Human Genetics Tuebingen Variant Classification Criteria Version 2. Collection method: clinical testing. Allele origin: germline. Affected: yes. Observed: 1 variant allele.
Comment: KCNK9: PM2, PP2, BP4